The following is an entry in ClinVar:

ClinVar aggregate classification (germline): Uncertain significance. Review status: criteria provided, multiple submitters, no conflicts (2 of 4 stars). 2 submissions from 2 submitters: Uncertain significance (2). Last evaluated 2025-09-17.

Conditions:
Dyskeratosis congenita, autosomal dominant 6 (DKCA6). Identifiers: Orphanet 3322, MedGen C4225284, MONDO:0014690, OMIM 616553.
Inborn genetic diseases. Identifiers: MedGen C0950123, MeSH D030342.

Allele frequency attached by ClinVar (database versions not stated): gnomAD exomes 0.00002 and 0.00005; ExAC 0.00003; gnomAD 0.00003; TOPMed 0.00006.

Submissions (2):

Labcorp Genetics (formerly Invitae), Labcorp
Classification: Uncertain significance for Dyskeratosis congenita, autosomal dominant 6. Last evaluated: 2025-09-17. Review status: criteria provided, single submitter. Criteria: Invitae Variant Classification Sherloc (09022015). Collection method: clinical testing. Allele origin: germline.
Comment: This sequence change replaces glutamine, which is neutral and polar, with histidine, which is basic and polar, at codon 445 of the ACD protein (p.Gln445His). This variant is present in population databases (rs200526158, gnomAD 0.006%). This variant has not been reported in the literature in individuals affected with ACD-related conditions. ClinVar contains an entry for this variant (Variation ID: 841332). Invitae Evidence Modeling of protein sequence and biophysical properties (such as structural, functional, and spatial information, amino acid conservation, physicochemical variation, residue mobility, and thermodynamic stability) indicates that this missense variant is not expected to disrupt ACD protein function with a negative predictive value of 80%. In summary, the available evidence is currently insufficient to determine the role of this variant in disease. Therefore, it has been classified as a Variant of Uncertain Significance.

Ambry Genetics
Classification: Uncertain significance for Inborn genetic diseases. Last evaluated: 2021-08-05. Review status: criteria provided, single submitter. Criteria: Ambry Variant Classification Scheme 2023. Collection method: clinical testing. Allele origin: germline.
Comment: The p.Q445H variant (also known as c.1335G>C), located in coding exon 10 of the ACD gene, results from a G to C substitution at nucleotide position 1335. The glutamine at codon 445 is replaced by histidine, an amino acid with highly similar properties. This amino acid position is conserved. In addition, this alteration is predicted to be tolerated by in silico analysis. Since supporting evidence is limited at this time, the clinical significance of this alteration remains unclear.

NM_001082486.2(ACD):c.1077G>C (p.Gln359His)

Gene: ACD (ACD shelterin complex subunit and telomerase recruitment factor; minus strand). Cytogenetic location: 16q22.1.
Variant type: single nucleotide variant.
Coding change: c.1077G>C on transcript NM_001082486.2 (MANE Select); coding-DNA position 1077, G replaced by C.
Protein change: p.Gln359His; replaces glutamine 359 with histidine.
Molecular consequence: missense variant.
Genome position (GRCh38, 1-based): chr16:67,658,115, C>G on the plus strand (G>C on the coding strand, the complement: ACD is on the minus strand). VCF-style: chr16-67658115-C-G. GRCh37 (hg19) VCF-style: chr16-67692018-C-G.
Other names: c.1068G>C, p.Gln356His (NM_022914.3); short protein forms Q359H, Q356H.
Identifiers: ClinVar variation 841332 (VCV000841332.11), dbSNP rs200526158, ClinGen allele CA8114446.